The following is an entry in ClinVar:

ClinVar aggregate classification (germline): Uncertain significance (1 of 4 stars; one submission).

Conditions:
Capillary malformation-arteriovenous malformation syndrome. Also called: Capillary malformation-arteriovenous malformation. Identifiers: Orphanet 137667, MedGen C1842180, MONDO:0012016.

Submission:

Labcorp Genetics (formerly Invitae), Labcorp
Classification: Uncertain significance for Capillary malformation-arteriovenous malformation syndrome. Last evaluated: 2025-10-13. Review status: criteria provided, single submitter. Criteria: Invitae Variant Classification Sherloc (09022015). Collection method: clinical testing. Allele origin: germline.
Comment: This sequence change replaces serine, which is neutral and polar, with proline, which is neutral and non-polar, at codon 987 of the RASA1 protein (p.Ser987Pro). This variant is not present in population databases (gnomAD no frequency). This variant has not been reported in the literature in individuals affected with RASA1-related conditions. An algorithm developed to predict the effect of missense changes on protein structure and function outputs the following: PolyPhen-2: "Benign". The proline amino acid residue is found in multiple mammalian species, which suggests that this missense change does not adversely affect protein function. In summary, the available evidence is currently insufficient to determine the role of this variant in disease. Therefore, it has been classified as a Variant of Uncertain Significance.

NM_002890.3(RASA1):c.2959T>C (p.Ser987Pro)

Genes: CCNH (cyclin H; minus strand), RASA1 (RAS p21 protein activator 1; plus strand). Cytogenetic location: 5q14.3.
Variant type: single nucleotide variant.
Coding change: c.2959T>C on transcript NM_002890.3 (MANE Select); coding-DNA position 2959, T replaced by C.
Protein change: p.Ser987Pro; replaces serine 987 with proline.
Molecular consequence: missense variant. On other transcripts: intron variant (1).
Genome position (GRCh38, 1-based): chr5:87,389,426, T>C. VCF-style: chr5-87389426-T-C. GRCh37 (hg19) VCF-style: chr5-86685243-T-C.
Other names: c.2428T>C, p.Ser810Pro (NM_022650.3); c.933+5618A>G (NM_001364075.2); short protein forms S810P, S987P.
Identifiers: ClinVar variation 4728457 (VCV004728457.1).
Genomic context (GRCh38, chr5:87,389,426, plus strand): 5'-AAATGCAATTTTACGATTCCCTTAAAGAATGTACCTGAACTTCCGGACACTACAGAGCAT[T>C]CTAGAACGGACCTGTCCCGTGATTTAGCAGCATTGCATGAGATTTGCGTGGCTCATTCAG-3'
Protein context (NP_002881.1, residues 977-997): VPELPDTTEH[Ser987Pro]RTDLSRDLAA